The following is an entry in ClinVar:

NM_206933.4(USH2A):c.9591C>G (p.Leu3197=)

Gene: USH2A (usherin; minus strand). Cytogenetic location: 1q41.
Variant type: single nucleotide variant.
Coding change: c.9591C>G on transcript NM_206933.4 (MANE Select); coding-DNA position 9591, C replaced by G.
Protein change: p.Leu3197=; no amino-acid change (leucine 3197 retained).
Molecular consequence: synonymous variant.
Genome position (GRCh38, 1-based): chr1:215,813,884, G>C on the plus strand (C>G on the coding strand, the complement: USH2A is on the minus strand). VCF-style: chr1-215813884-G-C. GRCh37 (hg19) VCF-style: chr1-215987226-G-C.
Other names: c.9591C>G (NM_206933.2).
Identifiers: ClinVar variation 1103368 (VCV001103368.11), dbSNP rs144371939, ClinGen allele CA1394260.

ClinVar aggregate classification (germline): Likely benign. Review status: criteria provided, multiple submitters, no conflicts (2 of 4 stars). 3 submissions from 3 submitters: Likely benign (3). Last evaluated 2026-07-10.

Conditions:
USH2A-related disorder. Also called: USH2A-related condition; USH2A-related disorders. Identifiers: MedGen CN239332.

Allele frequency attached by ClinVar (database versions not stated): ExAC 0.00001; gnomAD exomes 0.00001; TOPMed 0.00002; gnomAD 0.00003 and 0.00004; ESP Exome Variant Server 0.00015.
gnomAD v4.1: 15 of 1,613,614 alleles (0.00093%); highest among the groups gnomAD compares: Non-Finnish European, 0.0013%; no homozygotes.

Submissions (3):

PreventionGenetics, part of Exact Sciences
Classification: Likely benign for USH2A-related condition. Last evaluated: 2026-07-10. Review status: criteria provided, single submitter. Criteria: ACMG Guidelines, 2015. Collection method: clinical testing. Allele origin: germline.
Comment: This variant is classified as likely benign based on ACMG/AMP sequence variant interpretation guidelines (Richards et al. 2015 PMID: 25741868, with internal and published modifications).

Labcorp Genetics (formerly Invitae), Labcorp
Classification: Likely benign. Last evaluated: 2026-01-09. Review status: criteria provided, single submitter. Criteria: Invitae Variant Classification Sherloc (09022015). Collection method: clinical testing. Allele origin: germline.

Blueprint Genetics
Classification: Likely benign. Last evaluated: 2021-04-19. Review status: criteria provided, single submitter. Criteria: ACMG Guidelines, 2015. Collection method: clinical testing. Allele origin: germline.